The following is an entry in ClinVar:

ClinVar aggregate classification (germline): Uncertain significance (1 of 4 stars; one submission).

Conditions:
Inborn genetic diseases. Identifiers: MedGen C0950123, MeSH D030342.

Allele frequency attached by ClinVar (database versions not stated): TOPMed below 0.00001.
gnomAD v4.1: 1 of 1,611,706 alleles (0.000062%); highest among the groups gnomAD compares: African/African-American, 0.0013%; no homozygotes.

Submission:

Ambry Genetics
Classification: Uncertain significance for Inborn genetic diseases. Last evaluated: 2024-03-12. Review status: criteria provided, single submitter. Criteria: Ambry Variant Classification Scheme 2023. Collection method: clinical testing. Allele origin: germline.
Comment: The p.A369S variant (also known as c.1105G>T), located in coding exon 10 of the LRRK2 gene, results from a G to T substitution at nucleotide position 1105. The alanine at codon 369 is replaced by serine, an amino acid with similar properties. This amino acid position is conserved. In addition, this alteration is predicted to be tolerated by in silico analysis. Based on the available evidence, the clinical significance of this alteration remains unclear.

NM_198578.4(LRRK2):c.1105G>T (p.Ala369Ser)

Gene: LRRK2 (leucine rich repeat kinase 2; plus strand). Cytogenetic location: 12q12.
Variant type: single nucleotide variant.
Coding change: c.1105G>T on transcript NM_198578.4 (MANE Select); coding-DNA position 1105, G replaced by T.
Protein change: p.Ala369Ser; replaces alanine 369 with serine.
Molecular consequence: missense variant.
Genome position (GRCh38, 1-based): chr12:40,251,468, G>T. VCF-style: chr12-40251468-G-T. GRCh37 (hg19) VCF-style: chr12-40645270-G-T.
Other names: short protein forms A369S.
Identifiers: ClinVar variation 3229500 (VCV003229500.1), dbSNP rs1485812980, ClinGen allele CA384408038.